The following is an entry in ClinVar:

NM_144997.7(FLCN):c.979G>A (p.Ala327Thr)

Gene: FLCN (folliculin; minus strand). Cytogenetic location: 17p11.2.
Variant type: single nucleotide variant.
Coding change: c.979G>A on transcript NM_144997.7 (MANE Select); coding-DNA position 979, G replaced by A.
Protein change: p.Ala327Thr; replaces alanine 327 with threonine.
Molecular consequence: missense variant.
Genome position (GRCh38, 1-based): chr17:17,219,102, C>T on the plus strand (G>A on the coding strand, the complement: FLCN is on the minus strand). VCF-style: chr17-17219102-C-T. GRCh37 (hg19) VCF-style: chr17-17122416-C-T.
Other names: c.1033G>A, p.Ala345Thr (NM_001353229.2); c.979G>A, p.Ala327Thr (NM_001353230.2, NM_001353231.2); short protein forms A327T, A345T.
Identifiers: ClinVar variation 1021589 (VCV001021589.7), dbSNP rs2047011004, ClinGen allele CA398532885.
Genomic context (GRCh38, chr17:17,219,102, plus strand): 5'-TGAAGACTGGCAGCTTCCGGGGCTGCCAGCTCCCACAGCCTGAGAGAGAGGAGGACTCTG[C>T]CGGGCCCTGGGTCAGCTCCCGCCCTTCTGTACTCTCTGGCAACACAGGGGCTTTCTCCTC-3'
Protein context (NP_659434.2, residues 317-337): TEGRELTQGP[Ala327Thr]ESSSLSGCGS

ClinVar aggregate classification (germline): Conflicting classifications of pathogenicity. Review status: criteria provided, conflicting classifications (1 of 4 stars). 2 submissions from 2 submitters: Uncertain significance (1); Likely benign (1). Last evaluated 2025-07-30.

Conditions:
Birt-Hogg-Dube syndrome. Also called: Birt Hogg Dubé syndrome. Identifiers: Orphanet 122, MedGen C0346010, MONDO:0800444.
Hereditary cancer-predisposing syndrome. Also called: Hereditary neoplastic syndrome; Neoplastic Syndromes, Hereditary; Tumor predisposition; Hereditary Cancer Syndrome. Identifiers: Orphanet 140162, MedGen C0027672, MeSH D009386, MONDO:0015356.

Submissions (2):

Labcorp Genetics (formerly Invitae), Labcorp
Classification: Uncertain significance for Birt-Hogg-Dube syndrome. Last evaluated: 2025-07-30. Review status: criteria provided, single submitter. Criteria: Invitae Variant Classification Sherloc (09022015). Collection method: clinical testing. Allele origin: germline.
Comment: This sequence change replaces alanine, which is neutral and non-polar, with threonine, which is neutral and polar, at codon 327 of the FLCN protein (p.Ala327Thr). This variant is not present in population databases (gnomAD no frequency). This variant has not been reported in the literature in individuals affected with FLCN-related conditions. ClinVar contains an entry for this variant (Variation ID: 1021589). Invitae Evidence Modeling of protein sequence and biophysical properties (such as structural, functional, and spatial information, amino acid conservation, physicochemical variation, residue mobility, and thermodynamic stability) indicates that this missense variant is not expected to disrupt FLCN protein function with a negative predictive value of 80%. In summary, the available evidence is currently insufficient to determine the role of this variant in disease. Therefore, it has been classified as a Variant of Uncertain Significance.

Ambry Genetics
Classification: Likely benign for Hereditary cancer-predisposing syndrome. Last evaluated: 2022-08-23. Review status: criteria provided, single submitter. Criteria: Ambry Variant Classification Scheme 2023. Collection method: clinical testing. Allele origin: germline.